The following is an entry in ClinVar:

ClinVar aggregate classification (germline): Uncertain significance (1 of 4 stars; one submission).

Conditions:
Charcot-Marie-Tooth disease type 2. Also called: Charcot-Marie-Tooth type 2. Identifiers: Orphanet 64746, MedGen C0270914, MONDO:0018993.

Submission:

Labcorp Genetics (formerly Invitae), Labcorp
Classification: Uncertain significance for Charcot-Marie-Tooth disease type 2. Last evaluated: 2024-04-24. Review status: criteria provided, single submitter. Criteria: Invitae Variant Classification Sherloc (09022015). Collection method: clinical testing. Allele origin: germline.
Comment: This sequence change replaces valine, which is neutral and non-polar, with alanine, which is neutral and non-polar, at codon 568 of the AARS protein (p.Val568Ala). This variant is not present in population databases (gnomAD no frequency). This variant has not been reported in the literature in individuals affected with AARS-related conditions. Advanced modeling of protein sequence and biophysical properties (such as structural, functional, and spatial information, amino acid conservation, physicochemical variation, residue mobility, and thermodynamic stability) performed at Invitae indicates that this missense variant is not expected to disrupt AARS protein function with a negative predictive value of 95%. In summary, the available evidence is currently insufficient to determine the role of this variant in disease. Therefore, it has been classified as a Variant of Uncertain Significance.

NM_001605.3(AARS1):c.1703T>C (p.Val568Ala)

Gene: AARS1 (alanyl-tRNA synthetase 1; minus strand). Cytogenetic location: 16q22.1.
Variant type: single nucleotide variant.
Coding change: c.1703T>C on transcript NM_001605.3 (MANE Select); coding-DNA position 1703, T replaced by C.
Protein change: p.Val568Ala; replaces valine 568 with alanine.
Molecular consequence: missense variant.
Genome position (GRCh38, 1-based): chr16:70,261,126, A>G on the plus strand (T>C on the coding strand, the complement: AARS1 is on the minus strand). VCF-style: chr16-70261126-A-G. GRCh37 (hg19) VCF-style: chr16-70295029-A-G.
Other names: short protein forms V568A.
Identifiers: ClinVar variation 3608826 (VCV003608826.2).